The following is an entry in ClinVar:

NC_000008.10:g.(?_96037237)_(97345794_?)dup

Genes: PLEKHF2 (pleckstrin homology and FYVE domain containing 2; plus strand), PTDSS1 (phosphatidylserine synthase 1; plus strand), UQCRB (ubiquinol-cytochrome c reductase binding protein; minus strand), CFAP418 (cilia and flagella associated protein 418; minus strand), GDF6 (growth differentiation factor 6; minus strand) and 2 more. Cytogenetic location: 8q22.1.
Variant type: Duplication.
Identifiers: ClinVar variation 2423451 (VCV002423451.3).

ClinVar aggregate classification (germline): Uncertain significance (1 of 4 stars; one submission).

Conditions:
Klippel-Feil syndrome 1, autosomal dominant (KFS1). Also called: CERVICAL VERTEBRAL FUSION, AUTOSOMAL DOMINANT. Identifiers: Orphanet 2345, MedGen C1861689, MONDO:0007306, OMIM 118100.
Isolated microphthalmia 4. Identifiers: Orphanet 2542, MedGen C2751307, MONDO:0013130, OMIM 613094.
Leber congenital amaurosis 17 (LCA17). Identifiers: Orphanet 65, MedGen C3715164, MONDO:0014145, OMIM 615360.
Microphthalmia, isolated, with coloboma 6 (MCOPCB6). Also called: MICROPHTHALMIA/COLOBOMA 6; Microphthalmia with coloboma 6, digenic; Microphthalmia with coloboma 6. Identifiers: Orphanet 98938, MedGen C3150968, MONDO:0013376, OMIM 613703.

Submission:

Labcorp Genetics (formerly Invitae), Labcorp
Classification: Uncertain significance for Isolated microphthalmia 4; Leber congenital amaurosis 17; Klippel-Feil syndrome 1, autosomal dominant; Microphthalmia, isolated, with coloboma 6. Last evaluated: 2022-09-05. Review status: criteria provided, single submitter. Criteria: Invitae Variant Classification Sherloc (09022015). Collection method: clinical testing. Allele origin: germline.
Comment: A copy number gain of the genomic region encompassing the full coding sequence of the GDF6 gene has been identified. The boundaries of this event are unknown as they extend beyond the assayed region for this gene and therefore may encompass additional genes. As the precise location of this event is unknown, it may be in tandem or it may be located elsewhere in the genome. Isolated whole-gene copy number gains of GDF6 have not been reported in the literature. However, larger copy number events that include this gene have been reported (PMID: 24442880). In summary, the available evidence is currently insufficient to determine the role of this variant in disease. Therefore, it has been classified as a Variant of Uncertain Significance.

Literature cited by the submitters: PubMed 24442880.